The following is an entry in ClinVar:

NM_000701.8(ATP1A1):c.560T>C (p.Val187Ala)

Gene: ATP1A1 (ATPase Na+/K+ transporting subunit alpha 1; plus strand). Cytogenetic location: 1p13.1.
Variant type: single nucleotide variant.
Coding change: c.560T>C on transcript NM_000701.8 (MANE Select); coding-DNA position 560, T replaced by C.
Protein change: p.Val187Ala; replaces valine 187 with alanine.
Molecular consequence: missense variant.
Genome position (GRCh38, 1-based): chr1:116,388,696, T>C. VCF-style: chr1-116388696-T-C. GRCh37 (hg19) VCF-style: chr1-116931318-T-C.
Other names: c.560T>C (NM_001160233.1); c.560T>C, p.Val187Ala (NM_001160233.2); c.467T>C, p.Val156Ala (NM_001160234.2); short protein forms V156A, V187A.
Identifiers: ClinVar variation 1910428 (VCV001910428.6), dbSNP rs1652257818, ClinGen allele CA341842555.

ClinVar aggregate classification (germline): Uncertain significance. Review status: criteria provided, multiple submitters, no conflicts (2 of 4 stars). 2 submissions from 2 submitters: Uncertain significance (2). Last evaluated 2026-06-09.

Conditions:
Inborn genetic diseases. Identifiers: MedGen C0950123, MeSH D030342.

Allele frequency attached by ClinVar (database versions not stated): gnomAD 0.00001; gnomAD exomes 0.00001; TOPMed 0.00001.
gnomAD v4.1: 22 of 1,614,110 alleles (0.0014%); highest among the groups gnomAD compares: Non-Finnish European, 0.0019%; no homozygotes.

Submissions (2):

Ambry Genetics
Classification: Uncertain significance for Inborn genetic diseases. Last evaluated: 2026-06-09. Review status: criteria provided, single submitter. Criteria: Ambry Variant Classification Scheme 2023. Collection method: clinical testing. Allele origin: germline.

Labcorp Genetics (formerly Invitae), Labcorp
Classification: Uncertain significance. Last evaluated: 2025-09-14. Review status: criteria provided, single submitter. Criteria: Invitae Variant Classification Sherloc (09022015). Collection method: clinical testing. Allele origin: germline.
Comment: This sequence change replaces valine, which is neutral and non-polar, with alanine, which is neutral and non-polar, at codon 187 of the ATP1A1 protein (p.Val187Ala). This variant is not present in population databases (gnomAD no frequency). This variant has not been reported in the literature in individuals affected with ATP1A1-related conditions. ClinVar contains an entry for this variant (Variation ID: 1910428). Invitae Evidence Modeling of protein sequence and biophysical properties (such as structural, functional, and spatial information, amino acid conservation, physicochemical variation, residue mobility, and thermodynamic stability) has been performed for this missense variant. However, the output from this modeling did not meet the statistical confidence thresholds required to predict the impact of this variant on ATP1A1 protein function. In summary, the available evidence is currently insufficient to determine the role of this variant in disease. Therefore, it has been classified as a Variant of Uncertain Significance.